The following is an entry in ClinVar:

ClinVar aggregate classification (germline): Benign/Likely benign. Review status: criteria provided, multiple submitters, no conflicts (2 of 4 stars). 5 submissions from 5 submitters: Benign (3); Likely benign (2). Last evaluated 2026-01-28.

Allele frequency attached by ClinVar (database versions not stated): TOPMed 0.02199; 1000 Genomes Project 30x 0.01343; 1000 Genomes Project 0.01418; ExAC 0.02712; ESP Exome Variant Server 0.02634.
gnomAD v4.1: 47,339 of 1,550,028 alleles (3.1%); highest among the groups gnomAD compares: Middle Eastern, 4.2%; 820 homozygotes.

Submissions (5):

Labcorp Genetics (formerly Invitae), Labcorp
Classification: Benign. Last evaluated: 2026-01-28. Review status: criteria provided, single submitter. Criteria: Invitae Variant Classification Sherloc (09022015). Collection method: clinical testing. Allele origin: germline.

ARUP Laboratories, Molecular Genetics and Genomics, ARUP Laboratories
Classification: Benign. Last evaluated: 2025-07-03. Review status: criteria provided, single submitter. Criteria: ARUP Molecular Germline Variant Investigation Process 2024. Collection method: clinical testing. Allele origin: germline.

Mayo Clinic Laboratories, Mayo Clinic
Classification: Benign. Last evaluated: 2022-05-13. Review status: criteria provided, single submitter. Criteria: ACMG Guidelines, 2015. Collection method: clinical testing. Allele origin: germline. Observed: 139 variant alleles.
Comment: BS1, BS2, BP4, BP7

GeneDx
Classification: Likely benign. Last evaluated: 2018-07-09. Review status: criteria provided, single submitter. Criteria: GeneDx Variant Classification Process June 2021. Collection method: clinical testing. Allele origin: germline. Affected: yes.

Breakthrough Genomics
Classification: Likely benign. Review status: criteria provided, single submitter. Criteria: ACMG Guidelines, 2015. Collection method: not provided. Allele origin: germline. Inheritance: Autosomal recessive inheritance. Affected: yes.

NM_001142864.4(PIEZO1):c.5289C>T (p.Tyr1763=)

Gene: PIEZO1 (piezo type mechanosensitive ion channel component 1 (Er blood group); minus strand). Cytogenetic location: 16q24.3.
Variant type: single nucleotide variant.
Coding change: c.5289C>T on transcript NM_001142864.4 (MANE Select); coding-DNA position 5289, C replaced by T.
Protein change: p.Tyr1763=; no amino-acid change (tyrosine 1763 retained).
Molecular consequence: synonymous variant.
Genome position (GRCh38, 1-based): chr16:88,721,652, G>A on the plus strand (C>T on the coding strand, the complement: PIEZO1 is on the minus strand). VCF-style: chr16-88721652-G-A. GRCh37 (hg19) VCF-style: chr16-88788060-G-A.
Other names: p.Tyr1763=.
Identifiers: ClinVar variation 810887 (VCV000810887.29), dbSNP rs72811487, ClinGen allele CA8231916.